The following is an entry in ClinVar:

ClinVar aggregate classification (germline): Uncertain significance (1 of 4 stars; one submission).

Conditions:
Inborn genetic diseases. Identifiers: MedGen C0950123, MeSH D030342.

Allele frequency attached by ClinVar (database versions not stated): gnomAD exomes below 0.00001; TOPMed below 0.00001.
gnomAD v4.1: 2 of 1,613,970 alleles (0.00012%); highest among the groups gnomAD compares: Admixed American, 0.0017%; no homozygotes.

Submission:

Ambry Genetics
Classification: Uncertain significance for Inborn genetic diseases. Last evaluated: 2017-02-20. Review status: criteria provided, single submitter. Criteria: Ambry Variant Classification Scheme 2023. Collection method: clinical testing. Allele origin: germline.
Comment: The p.I1886V variant (also known as c.5656A>G), located in coding exon 26 of the SCN8A gene, results from an A to G substitution at nucleotide position 5656. The isoleucine at codon 1886 is replaced by valine, an amino acid with highly similar properties. This amino acid position is highly conserved in available vertebrate species. In addition, the in silico prediction for this alteration is inconclusive. Since supporting evidence is limited at this time, the clinical significance of this alteration remains unclear.

NM_001330260.2(SCN8A):c.5656A>G (p.Ile1886Val)

Gene: SCN8A (sodium voltage-gated channel alpha subunit 8; plus strand). Cytogenetic location: 12q13.13.
Variant type: single nucleotide variant.
Coding change: c.5656A>G on transcript NM_001330260.2 (MANE Select); coding-DNA position 5656, A replaced by G.
Protein change: p.Ile1886Val; replaces isoleucine 1886 with valine.
Molecular consequence: missense variant.
Genome position (GRCh38, 1-based): chr12:51,807,142, A>G. VCF-style: chr12-51807142-A-G. GRCh37 (hg19) VCF-style: chr12-52200926-A-G.
Other names: c.5533A>G, p.Ile1845Val (NM_001177984.3, NM_001369788.1); c.5656A>G, p.Ile1886Val (NM_014191.4); short protein forms I1886V, I1845V.
Identifiers: ClinVar variation 588808 (VCV000588808.5), dbSNP rs1411587460, ClinGen allele CA384888351.